The following is an entry in ClinVar:

ClinVar aggregate classification (germline): Uncertain significance (1 of 4 stars; one submission).

Conditions:
Developmental delay with variable intellectual disability and dysmorphic facies. Identifiers: MedGen C5774242, MONDO:0859306, OMIM 620098.

gnomAD v4.1: 1 of 1,613,524 alleles (0.000062%); highest among the groups gnomAD compares: Non-Finnish European, 0.000085%; no homozygotes.

Submission:

Neuberg Centre For Genomic Medicine, NCGM
Classification: Uncertain significance for Developmental delay with variable intellectual disability and dysmorphic facies. Last evaluated: 2023-05-20. Review status: criteria provided, single submitter. Criteria: ACMG Guidelines, 2015. Collection method: clinical testing. Allele origin: germline. Inheritance: Autosomal dominant inheritance. Affected: yes.
Comment: The observed missense c.3688C>G(p.Pro1230Ala) variant in JARID2 gene has not been reported previously as a pathogenic variant nor as a benign variant, to our knowledge. The p.Pro1230Ala variant is absent in gnomAD Exomes database. This variant has not been submitted to the ClinVar database. Computational evidence (Polyphen - Benign, SIFT - Tolerated and MutationTaster -Disease causing) predicts conflicting evidence on protein structure and function for this variant. The reference amino acid is predicted as conserved by GERP++ and PhyloP across 100 vertebrates. The amino acid Pro at position 1230 is changed to a Ala changing protein sequence and it might alter its composition and physico-chemical properties. For these reasons, this variant has been classified as Variant of Uncertain Significance (VUS).

NM_004973.4(JARID2):c.3688C>G (p.Pro1230Ala)

Gene: JARID2 (jumonji and AT-rich interaction domain containing 2; plus strand). Cytogenetic location: 6p22.3.
Variant type: single nucleotide variant.
Coding change: c.3688C>G on transcript NM_004973.4 (MANE Select); coding-DNA position 3688, C replaced by G.
Protein change: p.Pro1230Ala; replaces proline 1230 with alanine.
Molecular consequence: missense variant.
Genome position (GRCh38, 1-based): chr6:15,520,198, C>G. VCF-style: chr6-15520198-C-G. GRCh37 (hg19) VCF-style: chr6-15520429-C-G.
Other names: c.3172C>G, p.Pro1058Ala (NM_001267040.1); short protein forms P1058A, P1230A.
Identifiers: ClinVar variation 3367067 (VCV003367067.1).
Genomic context (GRCh38, chr6:15,520,198, plus strand): 5'-TGTCTCAGTAAACCCACACCAAAAAGAGGTCCCCGCAAGAGAGCGACAGTGGACGTGCCC[C>G]CCTCCCGTCTGTCAGCCTCCAGTTCATCCAAAAGTGCTTCGAGCTCATCATGAAGATGCC-3'
Protein context (NP_004964.2, residues 1220-1240): PRKRATVDVP[Pro1230Ala]SRLSASSSSK